The following is an entry in ClinVar:

ClinVar aggregate classification (germline): Pathogenic (1 of 4 stars; one submission).

Conditions:
Fucosidosis. Also called: ALPHA-L-FUCOSIDASE DEFICIENCY. Identifiers: Orphanet 349, MedGen C0016788, MONDO:0009254, OMIM 230000.

Submission:

Labcorp Genetics (formerly Invitae), Labcorp
Classification: Pathogenic for Fucosidosis. Last evaluated: 2025-06-11. Review status: criteria provided, single submitter. Criteria: Invitae Variant Classification Sherloc (09022015). Collection method: clinical testing. Allele origin: germline.
Comment: This sequence change creates a premature translational stop signal (p.Met6Aspfs*162) in the FUCA1 gene. It is expected to result in an absent or disrupted protein product. Loss-of-function variants in FUCA1 are known to be pathogenic (PMID: 10094192). This variant is not present in population databases (gnomAD no frequency). This variant has not been reported in the literature in individuals affected with FUCA1-related conditions. For these reasons, this variant has been classified as Pathogenic.

Literature cited by the submitters: PubMed 10094192.

NM_000147.5(FUCA1):c.15dup (p.Met6fs)

Gene: FUCA1 (alpha-L-fucosidase 1; minus strand). Cytogenetic location: 1p36.11.
Variant type: Duplication.
Coding change: c.15dup on transcript NM_000147.5 (MANE Select); coding-DNA position 15, one base duplicated (G; older notation c.15dupG).
Protein change: p.Met6fs; shifts the reading frame from methionine 6.
Molecular consequence: frameshift variant. On other transcripts: non-coding transcript variant (4).
Genome position (GRCh38, 1-based): chr1:23,868,272, C duplicated on the plus strand (G on the coding strand, the reverse complement: FUCA1 is on the minus strand); the first of 4 consecutive C bases (chr1:23,868,272-23,868,275); duplicating any one gives the same sequence. VCF-style (leftmost placement, unchanged base first): chr1-23868271-T-TC. GRCh37 (hg19) VCF-style: chr1-24194761-T-TC.
Other names: short protein forms M6fs.
Identifiers: ClinVar variation 4721223 (VCV004721223.1).